The following is an entry in ClinVar:

ClinVar aggregate classification (germline): Uncertain significance (1 of 4 stars; one submission).

Allele frequency attached by ClinVar (database versions not stated): gnomAD exomes below 0.00001.

Submission:

Labcorp Genetics (formerly Invitae), Labcorp
Classification: Uncertain significance. Last evaluated: 2022-07-06. Review status: criteria provided, single submitter. Criteria: Invitae Variant Classification Sherloc (09022015). Collection method: clinical testing. Allele origin: germline.
Comment: This sequence change replaces glycine, which is neutral and non-polar, with serine, which is neutral and polar, at codon 148 of the TRMT10A protein (p.Gly148Ser). This variant is not present in population databases (gnomAD no frequency). This variant has not been reported in the literature in individuals affected with TRMT10A-related conditions. Algorithms developed to predict the effect of missense changes on protein structure and function are either unavailable or do not agree on the potential impact of this missense change (SIFT: "Deleterious"; PolyPhen-2: "Probably Damaging"; Align-GVGD: "Class C0"). In summary, the available evidence is currently insufficient to determine the role of this variant in disease. Therefore, it has been classified as a Variant of Uncertain Significance.

NM_001134665.3(TRMT10A):c.442G>A (p.Gly148Ser)

Gene: TRMT10A (tRNA methyltransferase 10A; minus strand). Cytogenetic location: 4q23.
Variant type: single nucleotide variant.
Coding change: c.442G>A on transcript NM_001134665.3 (MANE Select); coding-DNA position 442, G replaced by A.
Protein change: p.Gly148Ser; replaces glycine 148 with serine.
Molecular consequence: missense variant.
Genome position (GRCh38, 1-based): chr4:99,556,199, C>T on the plus strand (G>A on the coding strand, the complement: TRMT10A is on the minus strand). VCF-style: chr4-99556199-C-T. GRCh37 (hg19) VCF-style: chr4-100477356-C-T.
Other names: c.442G>A, p.Gly148Ser (NM_001134666.3, NM_001375880.1, NM_001375881.1 and 2 more transcripts); short protein forms G148S.
Identifiers: ClinVar variation 2074639 (VCV002074639.1), dbSNP rs2476021548, ClinGen allele CA357510276.